The following is an entry in ClinVar:

ClinVar aggregate classification (germline): Uncertain significance (1 of 4 stars; one submission).

Conditions:
Arrhythmogenic cardiomyopathy with wooly hair and keratoderma. Also called: PALMOPLANTAR KERATODERMA WITH LEFT VENTRICULAR CARDIOMYOPATHY AND WOOLLY HAIR; Carvajal syndrome; Dilated cardiomyopathy with woolly hair and keratoderma; Arrhythmogenic cardiomyopathy with woolly hair and keratoderma. Identifiers: Orphanet 65282, MedGen C1854063, MONDO:0011581, OMIM 605676.
Arrhythmogenic right ventricular dysplasia 8 (ARVD8). Also called: Arrhythmogenic Right Ventricular Dysplasia/Cardiomyopathy 8; ARRHYTHMOGENIC RIGHT VENTRICULAR DYSPLASIA, FAMILIAL, 8; ARRHYTHMOGENIC RIGHT VENTRICULAR CARDIOMYOPATHY 8. Identifiers: MedGen C1843896, MONDO:0011831, OMIM 607450.

Submission:

Labcorp Genetics (formerly Invitae), Labcorp
Classification: Uncertain significance for Arrhythmogenic cardiomyopathy with wooly hair and keratoderma; Arrhythmogenic right ventricular dysplasia 8. Last evaluated: 2023-08-16. Review status: criteria provided, single submitter. Criteria: Invitae Variant Classification Sherloc (09022015). Collection method: clinical testing. Allele origin: germline.
Comment: In summary, the available evidence is currently insufficient to determine the role of this variant in disease. Therefore, it has been classified as a Variant of Uncertain Significance. An algorithm developed to predict the effect of missense changes on protein structure and function (PolyPhen-2) suggests that this variant is likely to be disruptive. This variant has not been reported in the literature in individuals affected with DSP-related conditions. This variant is not present in population databases (gnomAD no frequency). This sequence change replaces glutamic acid, which is acidic and polar, with glycine, which is neutral and non-polar, at codon 2276 of the DSP protein (p.Glu2276Gly).

NM_004415.4(DSP):c.6827A>G (p.Glu2276Gly)

Gene: DSP (desmoplakin; plus strand). Cytogenetic location: 6p24.3.
Variant type: single nucleotide variant.
Coding change: c.6827A>G on transcript NM_004415.4 (MANE Select); coding-DNA position 6827, A replaced by G.
Protein change: p.Glu2276Gly; replaces glutamic acid 2276 with glycine.
Molecular consequence: missense variant.
Genome position (GRCh38, 1-based): chr6:7,584,089, A>G. VCF-style: chr6-7584089-A-G. GRCh37 (hg19) VCF-style: chr6-7584322-A-G.
Other names: c.5030A>G, p.Glu1677Gly (NM_001008844.3); c.5498A>G, p.Glu1833Gly (NM_001319034.2); short protein forms E1677G, E2276G, E1833G.
Identifiers: ClinVar variation 2951004 (VCV002951004.3), dbSNP rs2533942851, ClinGen allele CA362691645.